The following is an entry in ClinVar:

NM_000540.3(RYR1):c.10278G>T (p.Glu3426Asp)

Gene: RYR1 (ryanodine receptor 1; plus strand). Cytogenetic location: 19q13.2.
Variant type: single nucleotide variant.
Coding change: c.10278G>T on transcript NM_000540.3 (MANE Select); coding-DNA position 10278, G replaced by T.
Protein change: p.Glu3426Asp; replaces glutamic acid 3426 with aspartic acid.
Molecular consequence: missense variant.
Genome position (GRCh38, 1-based): chr19:38,523,046, G>T. VCF-style: chr19-38523046-G-T. GRCh37 (hg19) VCF-style: chr19-39013686-G-T.
Other names: c.10278G>T, p.Glu3426Asp (NM_001042723.2); short protein forms E3426D.
Identifiers: ClinVar variation 2121404 (VCV002121404.4), dbSNP rs534659075, ClinGen allele CA405698643.

ClinVar aggregate classification (germline): Uncertain significance (1 of 4 stars; one submission).

Conditions:
RYR1-related disorder. Also called: RYR1-related condition; RYR1-related disorders. Identifiers: MedGen CN239331.

Submission:

Labcorp Genetics (formerly Invitae), Labcorp
Classification: Uncertain significance for RYR1-related disorder. Last evaluated: 2022-04-04. Review status: criteria provided, single submitter. Criteria: Invitae Variant Classification Sherloc (09022015). Collection method: clinical testing. Allele origin: germline.
Comment: This variant is not present in population databases (gnomAD no frequency). In summary, the available evidence is currently insufficient to determine the role of this variant in disease. Therefore, it has been classified as a Variant of Uncertain Significance. Advanced modeling of protein sequence and biophysical properties (such as structural, functional, and spatial information, amino acid conservation, physicochemical variation, residue mobility, and thermodynamic stability) performed at Invitae indicates that this missense variant is not expected to disrupt RYR1 protein function. This variant has not been reported in the literature in individuals affected with RYR1-related conditions. This sequence change replaces glutamic acid, which is acidic and polar, with aspartic acid, which is acidic and polar, at codon 3426 of the RYR1 protein (p.Glu3426Asp).